The following is an entry in ClinVar:

ClinVar aggregate classification (germline): Benign. Review status: criteria provided, multiple submitters, no conflicts (2 of 4 stars). 2 submissions from 2 submitters: Benign (2). Last evaluated 2018-06-14.

Allele frequency attached by ClinVar (database versions not stated): 1000 Genomes Project 30x 0.01702; 1000 Genomes Project 0.01737; TOPMed 0.03742.
gnomAD v4.1: 17,427 of 414,442 alleles (4.2%); highest among the groups gnomAD compares: Non-Finnish European, 6%; 502 homozygotes.

Submissions (2):

GeneDx
Classification: Benign. Last evaluated: 2018-06-14. Review status: criteria provided, single submitter. Criteria: GeneDx Variant Classification (06012015). Collection method: clinical testing. Allele origin: germline. Affected: yes.
Comment: This variant is considered likely benign or benign based on one or more of the following criteria: it is a conservative change, it occurs at a poorly conserved position in the protein, it is predicted to be benign by multiple in silico algorithms, and/or has population frequency not consistent with disease.

Breakthrough Genomics
Classification: Benign. Review status: criteria provided, single submitter. Criteria: ACMG Guidelines, 2015. Collection method: not provided. Allele origin: germline. Inheritance: Autosomal recessive inheritance. Affected: yes.

NM_024678.6(NARS2):c.142-227C>T

Gene: NARS2 (asparaginyl-tRNA synthetase 2, mitochondrial; minus strand). Cytogenetic location: 11q14.1.
Variant type: single nucleotide variant.
Coding change: c.142-227C>T on transcript NM_024678.6 (MANE Select); 227 bases into the intron before coding-DNA position 142, C replaced by T.
Molecular consequence: intron variant.
Genome position (GRCh38, 1-based): chr11:78,571,671, G>A on the plus strand (C>T on the coding strand, the complement: NARS2 is on the minus strand). VCF-style: chr11-78571671-G-A. GRCh37 (hg19) VCF-style: chr11-78282716-G-A.
Other names: c.-540-227C>T (NM_001243251.2).
Identifiers: ClinVar variation 667622 (VCV000667622.2), dbSNP rs117341758, ClinGen allele CA225113187.